The following is an entry in ClinVar:

NM_018417.6(ADCY10):c.437-3C>T

Genes: ADCY10 (adenylate cyclase 10; minus strand), DCAF6 (DDB1 and CUL4 associated factor 6; plus strand). Cytogenetic location: 1q24.2.
Variant type: single nucleotide variant.
Coding change: c.437-3C>T on transcript NM_018417.6 (MANE Select); 3 bases into the intron before coding-DNA position 437, C replaced by T.
Molecular consequence: intron variant.
Genome position (GRCh38, 1-based): chr1:167,899,631, G>A on the plus strand (C>T on the coding strand, the complement: ADCY10 is on the minus strand). VCF-style: chr1-167899631-G-A. GRCh37 (hg19) VCF-style: chr1-167868869-G-A.
Other names: c.-23-3C>T (NM_001167749.3); c.161-3C>T (NM_001297772.2).
Identifiers: ClinVar variation 4712730 (VCV004712730.1).

ClinVar aggregate classification (germline): Uncertain significance (1 of 4 stars; one submission).

gnomAD v4.1: 1 of 1,613,538 alleles (0.000062%); highest among the groups gnomAD compares: Admixed American, 0.0017%; no homozygotes.

Submission:

Labcorp Genetics (formerly Invitae), Labcorp
Classification: Uncertain significance. Last evaluated: 2025-02-11. Review status: criteria provided, single submitter. Criteria: Invitae Variant Classification Sherloc (09022015). Collection method: clinical testing. Allele origin: germline.
Comment: This sequence change falls in intron 5 of the ADCY10 gene. It does not directly change the encoded amino acid sequence of the ADCY10 protein. It affects a nucleotide within the consensus splice site. This variant is present in population databases (rs775703853, gnomAD 0.003%). This variant has not been reported in the literature in individuals affected with ADCY10-related conditions. Variants that disrupt the consensus splice site are a relatively common cause of aberrant splicing (PMID: 17576681, 9536098). Algorithms developed to predict the effect of sequence changes on RNA splicing suggest that this variant is not likely to affect RNA splicing. In summary, the available evidence is currently insufficient to determine the role of this variant in disease. Therefore, it has been classified as a Variant of Uncertain Significance.

Literature cited by the submitters: PubMed 17576681; PubMed 9536098.